The following is an entry in ClinVar:

ClinVar aggregate classification (germline): Pathogenic/Likely pathogenic. Review status: criteria provided, multiple submitters, no conflicts (2 of 4 stars). 2 submissions from 2 submitters: Pathogenic (1); Likely pathogenic (1). Last evaluated 2023-12-21.

Conditions:
Cockayne syndrome. Identifiers: Orphanet 191, MedGen C0009207, MONDO:0016006.
Xeroderma pigmentosum, group F (XPF). Also called: XERODERMA PIGMENTOSUM VI; XP, GROUP F; XERODERMA PIGMENTOSUM, COMPLEMENTATION GROUP F; XERODERMA PIGMENTOSUM, TYPE F; Xeroderma pigmentosum, type 6; ERCC4-Related Xeroderma Pigmentosum. Identifiers: MedGen C0268140, MONDO:0010215, OMIM 278760.
Fanconi anemia complementation group Q. Identifiers: Orphanet 84, MedGen C3808988, MONDO:0014108, OMIM 615272.

Submissions (2):

Clinical Genomics Laboratory, Washington University in St. Louis
Classification: Likely pathogenic for Xeroderma pigmentosum, group F. Last evaluated: 2023-12-21. Review status: criteria provided, single submitter. Criteria: ACMG Guidelines, 2015. Collection method: clinical testing. Allele origin: germline.
Comment: The ERCC4 c.557_558del (p.Phe186CysfsTer24) variant, to our knowledge, has not been reported in the medical literature but has been reported in the ClinVar database as a germline pathogenic variant by one submitter. This variant is only observed on 1/251,444 alleles in the general population (gnomAD v.2.1.1), indicating it is not a common variant. This variant causes a frameshift by deleting two nucleotides, leading to a premature termination codon, which is predicted to lead to nonsense mediated decay. Based on available information and the ACMG/AMP guidelines for variant interpretation (Richards S et al., PMID: 25741868), this variant is classified as likely pathogenic.

Labcorp Genetics (formerly Invitae), Labcorp
Classification: Pathogenic for Fanconi anemia complementation group Q; Xeroderma pigmentosum, group F; Cockayne syndrome. Last evaluated: 2021-03-17. Review status: criteria provided, single submitter. Criteria: Invitae Variant Classification Sherloc (09022015). Collection method: clinical testing. Allele origin: germline.
Comment: For these reasons, this variant has been classified as Pathogenic. Algorithms developed to predict the effect of sequence changes on RNA splicing suggest that this variant may create or strengthen a splice site, but this prediction has not been confirmed by published transcriptional studies. This variant has not been reported in the literature in individuals with ERCC4-related conditions. This variant is not present in population databases (ExAC no frequency). This sequence change creates a premature translational stop signal (p.Phe186Cysfs*24) in the ERCC4 gene. It is expected to result in an absent or disrupted protein product. Loss-of-function variants in ERCC4 are known to be pathogenic (PMID: 9580660).

Literature cited by the submitters: PubMed 9580660 (cited by Labcorp Genetics (formerly Invitae), Labcorp).

NM_005236.3(ERCC4):c.557_558del (p.Phe186fs)

Gene: ERCC4 (ERCC excision repair 4, endonuclease catalytic subunit; plus strand). Cytogenetic location: 16p13.12.
Variant type: Deletion.
Coding change: c.557_558del on transcript NM_005236.3 (MANE Select); coding-DNA positions 557 to 558, 2 bases deleted (TT; older notation c.557_558delTT).
Protein change: p.Phe186fs; shifts the reading frame from phenylalanine 186.
Molecular consequence: frameshift variant.
Genome position (GRCh38, 1-based): chr16:13,926,729-13,926,730, TT deleted; deleting any 2 consecutive bases within chr16:13,926,726-13,926,730 gives the same sequence; the c. name uses the placement nearest the transcript's 3' end. VCF-style (leftmost placement, unchanged base first): chr16-13926725-CTT-C. GRCh37 (hg19) VCF-style: chr16-14020582-CTT-C.
Other names: short protein forms F186fs.
Identifiers: ClinVar variation 1400031 (VCV001400031.7), dbSNP rs1419167361, ClinGen allele CA621009657.
Genomic context (GRCh38, chr16:13,926,725, plus strand): 5'-ACAGACAATGCTGTTGCCTTTGATACTGGTTTTTGTCATGTGGAAAGAGTGATGAGAAAT[CTT>C]TTTGTGAGGAAACTGTATCTGTGGCCAAGGTAAAGAACATTATGTGACAAATAATGATGA-3'